The following is an entry in ClinVar:

NM_001379500.1(COL18A1):c.107-12112G>T

Gene: COL18A1 (collagen type XVIII alpha 1 chain; plus strand). Cytogenetic location: 21q22.3.
Variant type: single nucleotide variant.
Coding change: c.107-12112G>T on transcript NM_001379500.1 (MANE Select); 12112 bases into the intron before coding-DNA position 107, G replaced by T.
Molecular consequence: intron variant. On other transcripts: missense variant (2).
Genome position (GRCh38, 1-based): chr21:45,456,130, G>T. VCF-style: chr21-45456130-G-T. GRCh37 (hg19) VCF-style: chr21-46876044-G-T.
Other names: NM_130445.2:c.107-12112G>T; c.600G>T, p.Arg200Ser (NM_030582.4, NM_130444.3); c.600G>T (NM_030582.3); short protein forms R200S.
Identifiers: ClinVar variation 2050956 (VCV002050956.8), dbSNP rs201419516, ClinGen allele CA10065524.

ClinVar aggregate classification (germline): Likely benign. Review status: criteria provided, multiple submitters, no conflicts (2 of 4 stars). 4 submissions from 4 submitters: Likely benign (3). 1 of the submissions does not count toward it. Last evaluated 2025-08-10.

Conditions:
Inborn genetic diseases. Identifiers: MedGen C0950123, MeSH D030342.
COL18A1-related disorder. Also called: COL18A1-related disorders; COL18A1-related condition.

Allele frequency attached by ClinVar (database versions not stated): 1000 Genomes Project 30x 0.00047; ESP Exome Variant Server 0.00057; 1000 Genomes Project 0.00060; ExAC 0.00060; gnomAD 0.00062; TOPMed 0.00076; gnomAD exomes 0.00084.
gnomAD v4.1: 1,298 of 1,585,302 alleles (0.082%); highest among the groups gnomAD compares: Admixed American, 0.14%; 1 homozygote.

Submissions (4):

Labcorp Genetics (formerly Invitae), Labcorp
Classification: Likely benign. Last evaluated: 2025-08-10. Review status: criteria provided, single submitter. Criteria: Invitae Variant Classification Sherloc (09022015). Collection method: clinical testing. Allele origin: germline.

Blueprint Genetics
Classification: Likely benign. Last evaluated: 2024-10-22. Review status: criteria provided, single submitter. Criteria: ACMG Guidelines, 2015. Collection method: clinical testing. Allele origin: germline.

Ambry Genetics
Classification: Likely benign for Inborn genetic diseases. Last evaluated: 2021-10-06. Review status: criteria provided, single submitter. Criteria: Ambry Variant Classification Scheme 2023. Collection method: clinical testing. Allele origin: germline.

PreventionGenetics, part of Exact Sciences
Classification: Likely benign for COL18A1-related condition. Last evaluated: 2022-01-31. Review status: no assertion criteria provided. Collection method: clinical testing. Allele origin: germline. Not counted in ClinVar's aggregate classification.
Comment: This variant is classified as likely benign based on ACMG/AMP sequence variant interpretation guidelines (Richards et al. 2015 PMID: 25741868, with internal and published modifications).